The following is an entry in ClinVar:

NM_001375524.1(TRRAP):c.9592G>A (p.Val3198Met)

Gene: TRRAP (transformation/transcription domain associated protein; plus strand). Cytogenetic location: 7q22.1.
Variant type: single nucleotide variant.
Coding change: c.9592G>A on transcript NM_001375524.1 (MANE Select); coding-DNA position 9592, G replaced by A.
Protein change: p.Val3198Met; replaces valine 3198 with methionine.
Molecular consequence: missense variant.
Genome position (GRCh38, 1-based): chr7:98,990,455, G>A. VCF-style: chr7-98990455-G-A. GRCh37 (hg19) VCF-style: chr7-98588078-G-A.
Other names: c.9604G>A, p.Val3202Met (NM_001244580.2); c.9517G>A, p.Val3173Met (NM_003496.4); short protein forms V3173M, V3198M, V3202M.
Identifiers: ClinVar variation 3370142 (VCV003370142.1).

ClinVar aggregate classification (germline): Uncertain significance (1 of 4 stars; one submission).

gnomAD v4.1: 17 of 1,612,682 alleles (0.0011%); highest among the groups gnomAD compares: Non-Finnish European, 0.0014%; no homozygotes.

Submission:

GeneDx
Classification: Uncertain significance. Last evaluated: 2023-12-20. Review status: criteria provided, single submitter. Criteria: GeneDx Variant Classification Process June 2021. Collection method: clinical testing. Allele origin: germline. Affected: yes.
Comment: In silico analysis supports that this missense variant does not alter protein structure/function; Has not been previously published as pathogenic or benign to our knowledge